The following is an entry in ClinVar:

ClinVar aggregate classification (germline): Uncertain significance (1 of 4 stars; one submission).

Conditions:
Nemaline myopathy 2 (NEM2). Also called: Nemaline myopathy 2, autosomal recessive. Identifiers: MedGen C1850569, MONDO:0009725, OMIM 256030.

Submission:

Labcorp Genetics (formerly Invitae), Labcorp
Classification: Uncertain significance for Nemaline myopathy 2. Last evaluated: 2022-07-21. Review status: criteria provided, single submitter. Criteria: Invitae Variant Classification Sherloc (09022015). Collection method: clinical testing. Allele origin: germline.
Comment: This sequence change replaces threonine, which is neutral and polar, with serine, which is neutral and polar, at codon 7099 of the NEB protein (p.Thr7099Ser). This variant is not present in population databases (gnomAD no frequency). This variant has not been reported in the literature in individuals affected with NEB-related conditions. Algorithms developed to predict the effect of missense changes on protein structure and function are either unavailable or do not agree on the potential impact of this missense change (SIFT: "Deleterious"; PolyPhen-2: "Not Available"; Align-GVGD: "Class C0"). In summary, the available evidence is currently insufficient to determine the role of this variant in disease. Therefore, it has been classified as a Variant of Uncertain Significance.

NM_001164508.2(NEB):c.21296C>G (p.Thr7099Ser)

Gene: NEB (nebulin; minus strand). Cytogenetic location: 2q23.3.
Variant type: single nucleotide variant.
Coding change: c.21296C>G on transcript NM_001164508.2 (MANE Select); coding-DNA position 21296, C replaced by G.
Protein change: p.Thr7099Ser; replaces threonine 7099 with serine.
Molecular consequence: missense variant.
Genome position (GRCh38, 1-based): chr2:151,535,707, G>C on the plus strand (C>G on the coding strand, the complement: NEB is on the minus strand). VCF-style: chr2-151535707-G-C. GRCh37 (hg19) VCF-style: chr2-152392221-G-C.
Other names: c.21296C>G, p.Thr7099Ser (NM_001164507.2, NM_001271208.2); c.16193C>G, p.Thr5398Ser (NM_004543.5); short protein forms T5398S, T7099S.
Identifiers: ClinVar variation 1722276 (VCV001722276.5), dbSNP rs890643170, ClinGen allele CA348772758.